The following is an entry in ClinVar:

ClinVar aggregate classification (germline): Likely benign (1 of 4 stars; one submission).

Allele frequency attached by ClinVar (database versions not stated): TOPMed below 0.00001 and 0.00001; gnomAD 0.00001.
gnomAD v4.1: 2 of 1,612,478 alleles (0.00012%); highest among the groups gnomAD compares: Non-Finnish European, 0.00017%; no homozygotes.

Submission:

GeneDx
Classification: Likely benign. Last evaluated: 2017-05-12. Review status: criteria provided, single submitter. Criteria: GeneDx Variant Classification (06012015). Collection method: clinical testing. Allele origin: germline. Affected: yes.
Comment: This variant is considered likely benign or benign based on one or more of the following criteria: it is a conservative change, it occurs at a poorly conserved position in the protein, it is predicted to be benign by multiple in silico algorithms, and/or has population frequency not consistent with disease.

NM_005051.3(QARS1):c.687T>G (p.Leu229=)

Gene: QARS1 (glutaminyl-tRNA synthetase 1; minus strand). Cytogenetic location: 3p21.31.
Variant type: single nucleotide variant.
Coding change: c.687T>G on transcript NM_005051.3 (MANE Select); coding-DNA position 687, T replaced by G.
Protein change: p.Leu229=; no amino-acid change (leucine 229 retained).
Molecular consequence: synonymous variant. On other transcripts: non-coding transcript variant (1).
Genome position (GRCh38, 1-based): chr3:49,101,844, A>C on the plus strand (T>G on the coding strand, the complement: QARS1 is on the minus strand). VCF-style: chr3-49101844-A-C. GRCh37 (hg19) VCF-style: chr3-49139277-A-C.
Other names: c.654T>G, p.Leu218= (NM_001272073.2).
Identifiers: ClinVar variation 509504 (VCV000509504.1), dbSNP rs1479459378, ClinGen allele CA433549834.